The following is an entry in ClinVar:

ClinVar aggregate classification (germline): Uncertain significance. Review status: criteria provided, multiple submitters, no conflicts (2 of 4 stars). 3 submissions from 3 submitters: Uncertain significance (3). Last evaluated 2026-06-02.

Conditions:
Immunodeficiency 119. Identifiers: MedGen C5935621, MONDO:0970993, OMIM 620825.

Allele frequency attached by ClinVar (database versions not stated): ExAC 0.00003.

Submissions (3):

Clinical Immunology, Karolinska University Hospital
Classification: Uncertain significance for Immunodeficiency 119. Last evaluated: 2026-06-02. Review status: criteria provided, single submitter. Criteria: ACMG Guidelines, 2015. Collection method: clinical testing. Allele origin: germline. Inheritance: Autosomal recessive inheritance. Affected: yes.
Comment: Located in trans with another ICOSL-variant that was classified as likely pathogenic (c.406+1G>T). Flow cytometric measurement of ICOSL on patient B-cells shows very low expression.

Labcorp Genetics (formerly Invitae), Labcorp
Classification: Uncertain significance. Last evaluated: 2025-12-24. Review status: criteria provided, single submitter. Criteria: Invitae Variant Classification Sherloc (09022015). Collection method: clinical testing. Allele origin: germline.
Comment: This sequence change replaces threonine, which is neutral and polar, with proline, which is neutral and non-polar, at codon 157 of the ICOSLG protein (p.Thr157Pro). This variant is present in population databases (rs765146164, gnomAD 0.01%). This variant has not been reported in the literature in individuals affected with ICOSLG-related conditions. ClinVar contains an entry for this variant (Variation ID: 2177584). An algorithm developed to predict the effect of missense changes on protein structure and function (PolyPhen-2) suggests that this variant is likely to be disruptive. In summary, the available evidence is currently insufficient to determine the role of this variant in disease. Therefore, it has been classified as a Variant of Uncertain Significance.

Ambry Genetics
Classification: Uncertain significance. Last evaluated: 2025-10-23. Review status: criteria provided, single submitter. Criteria: Ambry Variant Classification Scheme 2023. Collection method: clinical testing. Allele origin: germline.

NM_015259.6(ICOSLG):c.469A>C (p.Thr157Pro)

Gene: ICOSLG (inducible T cell costimulator ligand; minus strand). Cytogenetic location: 21q22.3.
Variant type: single nucleotide variant.
Coding change: c.469A>C on transcript NM_015259.6 (MANE Select); coding-DNA position 469, A replaced by C.
Protein change: p.Thr157Pro; replaces threonine 157 with proline.
Molecular consequence: missense variant.
Genome position (GRCh38, 1-based): chr21:44,235,500, T>G on the plus strand (A>C on the coding strand, the complement: ICOSLG is on the minus strand). VCF-style: chr21-44235500-T-G. GRCh37 (hg19) VCF-style: chr21-45655383-T-G.
Other names: c.469A>C (NM_015259.4); c.469A>C, p.Thr157Pro (NM_001283050.2, NM_001395918.1); c.118A>C, p.Thr40Pro (NM_001283051.2); c.214A>C, p.Thr72Pro (NM_001283052.2); c.388A>C, p.Thr130Pro (NM_001365759.2); short protein forms T72P, T40P, T130P, T157P.
Identifiers: ClinVar variation 2177584 (VCV002177584.6), dbSNP rs765146164, ClinGen allele CA321497281.
Genomic context (GRCh38, chr21:44,235,500, plus strand): 5'-TGTCCGTCTTATTGATCCAGTACACGTTGGGCCTGGGGTAGCCGTTTATGGATGTACACG[T>G]GAAGGTGAGCTCATCCTGGGAGGGGCTGTGGGGGGCGCTGACGACGGGCACGCTGAAGTT-3'
Protein context (NP_056074.1, residues 147-167): HSPSQDELTF[Thr157Pro]CTSINGYPRP